The following is an entry in ClinVar:

Conditions:
Breast-ovarian cancer, familial, susceptibility to, 1 (BROVCA1). Also called: BRCA1 Hereditary Breast and Ovarian Cancer; OVARIAN CANCER, SUSCEPTIBILITY TO. Identifiers: Orphanet 145, MedGen C2676676, MONDO:0011450, OMIM 604370. Disease mechanism: loss of function.

Submission:

Brotman Baty Institute, University of Washington
No classification provided (evidence only). Condition: Breast-ovarian cancer, familial 1. Review status: no classification provided. Collection method: in vitro. Allele origin: not applicable. Functional consequence: functionally_normal.
ClinVar note: "not provided" was previously submitted as the classification for the variant. However, the classification appeared to be based only on an observation of functional data so it was converted to no classification on 2025-07-30.

NM_007294.4(BRCA1):c.-6A>T

Gene: BRCA1 (BRCA1 DNA repair associated; minus strand). Cytogenetic location: 17q21.31.
Variant type: single nucleotide variant.
Coding change: c.-6A>T on transcript NM_007294.4 (MANE Select); 6 bases upstream of the start codon, A replaced by T.
Molecular consequence: 5 prime UTR variant. On other transcripts: non-coding transcript variant (1).
Genome position (GRCh38, 1-based): chr17:43,124,102, T>A on the plus strand (A>T on the coding strand, the complement: BRCA1 is on the minus strand). VCF-style: chr17-43124102-T-A. GRCh37 (hg19) VCF-style: chr17-41276119-T-A.
Other names: c.-194A>T (NM_001407571.1, NM_001407853.1, NM_001407879.1 and 46 more transcripts); c.-6A>T (NM_001407581.1, NM_001407582.1, NM_001407583.1 and 193 more transcripts); c.-263A>T (NM_001407694.1, NM_001407724.1, NM_001407727.1 and 11 more transcripts); c.-267A>T (NM_001407695.1, NM_001408465.1); c.-408A>T (NM_001407696.1); c.-292A>T (NM_001407697.1, NM_001407846.1, NM_001407920.1); c.-93A>T (NM_001407698.1, NM_001407732.1, NM_001407736.1 and 23 more transcripts); c.-266A>T (NM_001407725.1, NM_001407730.1, NM_001407734.1 and 22 more transcripts); and 8 more.
Identifiers: ClinVar variation 869044 (VCV000869044.3), dbSNP rs2055748702, ClinGen allele CA916081146.